The following is an entry in ClinVar:

NM_004958.4(MTOR):c.2575A>G (p.Arg859Gly)

Gene: MTOR (mechanistic target of rapamycin kinase; minus strand). Cytogenetic location: 1p36.22.
Variant type: single nucleotide variant.
Coding change: c.2575A>G on transcript NM_004958.4 (MANE Select); coding-DNA position 2575, A replaced by G.
Protein change: p.Arg859Gly; replaces arginine 859 with glycine.
Molecular consequence: missense variant.
Genome position (GRCh38, 1-based): chr1:11,231,374, T>C on the plus strand (A>G on the coding strand, the complement: MTOR is on the minus strand). VCF-style: chr1-11231374-T-C. GRCh37 (hg19) VCF-style: chr1-11291431-T-C.
Other names: c.2575A>G, p.Arg859Gly (NM_001386500.1); c.1327A>G, p.Arg443Gly (NM_001386501.1); short protein forms R443G, R859G.
Identifiers: ClinVar variation 1969946 (VCV001969946.5), dbSNP rs776799937, ClinGen allele CA338382635.

ClinVar aggregate classification (germline): Uncertain significance (1 of 4 stars; one submission).

Submission:

Labcorp Genetics (formerly Invitae), Labcorp
Classification: Uncertain significance. Last evaluated: 2023-12-22. Review status: criteria provided, single submitter. Criteria: Invitae Variant Classification Sherloc (09022015). Collection method: clinical testing. Allele origin: germline.
Comment: This sequence change replaces arginine, which is basic and polar, with glycine, which is neutral and non-polar, at codon 859 of the MTOR protein (p.Arg859Gly). This variant is not present in population databases (gnomAD no frequency). This variant has not been reported in the literature in individuals affected with MTOR-related conditions. ClinVar contains an entry for this variant (Variation ID: 1969946). Advanced modeling of protein sequence and biophysical properties (such as structural, functional, and spatial information, amino acid conservation, physicochemical variation, residue mobility, and thermodynamic stability) performed at Invitae indicates that this missense variant is not expected to disrupt MTOR protein function with a negative predictive value of 95%. In summary, the available evidence is currently insufficient to determine the role of this variant in disease. Therefore, it has been classified as a Variant of Uncertain Significance.